The following is an entry in ClinVar:

NM_015102.5(NPHP4):c.2594C>T (p.Thr865Met)

Gene: NPHP4 (nephrocystin 4; minus strand). Cytogenetic location: 1p36.31.
Variant type: single nucleotide variant.
Coding change: c.2594C>T on transcript NM_015102.5 (MANE Select); coding-DNA position 2594, C replaced by T.
Protein change: p.Thr865Met; replaces threonine 865 with methionine.
Molecular consequence: missense variant. On other transcripts: non-coding transcript variant (1).
Genome position (GRCh38, 1-based): chr1:5,880,131, G>A on the plus strand (C>T on the coding strand, the complement: NPHP4 is on the minus strand). VCF-style: chr1-5880131-G-A. GRCh37 (hg19) VCF-style: chr1-5940191-G-A.
Other names: c.2594C>T (NM_015102.4, NM_015102.3); c.1055C>T, p.Thr352Met (NM_001291593.2); c.1058C>T, p.Thr353Met (NM_001291594.2); short protein forms T352M, T353M, T865M.
Identifiers: ClinVar variation 1421626 (VCV001421626.8), dbSNP rs368898819, ClinGen allele CA554056.

ClinVar aggregate classification (germline): Uncertain significance. Review status: criteria provided, multiple submitters, no conflicts (2 of 4 stars). 4 submissions from 4 submitters: Uncertain significance (4). Last evaluated 2026-04-30.

Conditions:
Nephronophthisis 4 (NPHP4). Also called: NEPHRONOPHTHISIS 4, JUVENILE. Identifiers: Orphanet 655, MedGen C1847013, MONDO:0011752, OMIM 606966.
Senior-Loken syndrome 4 (SLSN4). Identifiers: Orphanet 3156, MedGen C1846979, MONDO:0011756, OMIM 606996.
Inborn genetic diseases. Identifiers: MedGen C0950123, MeSH D030342.
NPHP4-related disorder. Also called: NPHP4-related disorders; NPHP4-related condition. Identifiers: MedGen CN239384.
Nephronophthisis. Also called: Juvenile Nephronophthisis. Identifiers: Orphanet 655, MedGen C0687120, MONDO:0019005, HP:0000090.

Allele frequency attached by ClinVar (database versions not stated): ExAC 0.00003; gnomAD 0.00005; gnomAD exomes 0.00005; TOPMed 0.00005; ESP Exome Variant Server 0.00008.
gnomAD v4.1: 98 of 1,613,538 alleles (0.0061%); highest among the groups gnomAD compares: Non-Finnish European, 0.0073%; no homozygotes.

Submissions (4):

PreventionGenetics, part of Exact Sciences
Classification: Uncertain significance for NPHP4-related condition. Last evaluated: 2026-04-30. Review status: criteria provided, single submitter. Criteria: ACMG Guidelines, 2015. Collection method: clinical testing. Allele origin: germline.
Comment: The NPHP4 c.2594C>T variant is predicted to result in the amino acid substitution p.Thr865Met. To our knowledge, this variant has not been reported in the literature. This variant is reported in 0.0071% of alleles in individuals of European (non-Finnish) descent in gnomAD. At this time, the clinical significance of this variant is uncertain due to the absence of conclusive functional and genetic evidence.

Labcorp Genetics (formerly Invitae), Labcorp
Classification: Uncertain significance for Nephronophthisis. Last evaluated: 2022-07-20. Review status: criteria provided, single submitter. Criteria: Invitae Variant Classification Sherloc (09022015). Collection method: clinical testing. Allele origin: germline.
Comment: This sequence change replaces threonine, which is neutral and polar, with methionine, which is neutral and non-polar, at codon 865 of the NPHP4 protein (p.Thr865Met). This variant is present in population databases (rs368898819, gnomAD 0.007%). This variant has not been reported in the literature in individuals affected with NPHP4-related conditions. ClinVar contains an entry for this variant (Variation ID: 1421626). Algorithms developed to predict the effect of missense changes on protein structure and function output the following: SIFT: "Tolerated"; PolyPhen-2: "Benign"; Align-GVGD: "Class C0". The methionine amino acid residue is found in multiple mammalian species, which suggests that this missense change does not adversely affect protein function. In summary, the available evidence is currently insufficient to determine the role of this variant in disease. Therefore, it has been classified as a Variant of Uncertain Significance.

Fulgent Genetics
Classification: Uncertain significance for Nephronophthisis 4; Senior-Loken syndrome 4. Last evaluated: 2022-02-03. Review status: criteria provided, single submitter. Criteria: ACMG Guidelines, 2015. Collection method: clinical testing. Allele origin: unknown.

Ambry Genetics
Classification: Uncertain significance for Inborn genetic diseases. Last evaluated: 2021-09-27. Review status: criteria provided, single submitter. Criteria: Ambry Variant Classification Scheme 2023. Collection method: clinical testing. Allele origin: germline.